The following is an entry in ClinVar:

ClinVar aggregate classification (germline): Uncertain significance (1 of 4 stars; one submission).

Conditions:
Ehlers-Danlos syndrome, classic type, 1 (EDSCL1). Also called: EHLERS-DANLOS SYNDROME, GRAVIS TYPE; EHLERS-DANLOS SYNDROME, SEVERE CLASSIC TYPE; Ehlers-Danlos syndrome, type 1; Ehlers-Danlos Syndrome, Classic Type, COL5A1-Related; EDS I. Identifiers: MedGen C0268335, MONDO:0019567, OMIM 130000.
Osteogenesis imperfecta type I (OI1). Also called: OI, TYPE I; OSTEOGENESIS IMPERFECTA TARDA; OSTEOGENESIS IMPERFECTA WITH BLUE SCLERAE; Osteogenesis imperfecta type 1; Lobstein's Disease; Lobstein disease. Identifiers: Orphanet 216796, Orphanet 666, MedGen C0023931, MONDO:0008146, OMIM 166200. Disease mechanism: loss of function.

Allele frequency attached by ClinVar (database versions not stated): gnomAD exomes below 0.00001; gnomAD 0.00001.
gnomAD v4.1: 2 of 1,613,978 alleles (0.00012%); highest among the groups gnomAD compares: Non-Finnish European, 0.00017%; no homozygotes.

Submission:

Labcorp Genetics (formerly Invitae), Labcorp
Classification: Uncertain significance for Osteogenesis imperfecta type I; Ehlers-Danlos syndrome, classic type, 1. Last evaluated: 2021-03-22. Review status: criteria provided, single submitter. Criteria: Invitae Variant Classification Sherloc (09022015). Collection method: clinical testing. Allele origin: germline.
Comment: In summary, the available evidence is currently insufficient to determine the role of this variant in disease. Therefore, it has been classified as a Variant of Uncertain Significance. Advanced modeling of protein sequence and biophysical properties (such as structural, functional, and spatial information, amino acid conservation, physicochemical variation, residue mobility, and thermodynamic stability) performed at Invitae indicates that this missense variant is not expected to disrupt COL1A2 protein function. This variant has been observed in individual(s) with clinical features of COL1A2-related conditions (Invitae). This variant is not present in population databases (ExAC no frequency). This sequence change replaces proline with serine at codon 293 of the COL1A2 protein (p.Pro293Ser). The proline residue is highly conserved and there is a moderate physicochemical difference between proline and serine.

NM_000089.4(COL1A2):c.877C>T (p.Pro293Ser)

Gene: COL1A2 (collagen type I alpha 2 chain; plus strand). Cytogenetic location: 7q21.3.
Variant type: single nucleotide variant.
Coding change: c.877C>T on transcript NM_000089.4 (MANE Select); coding-DNA position 877, C replaced by T.
Protein change: p.Pro293Ser; replaces proline 293 with serine.
Molecular consequence: missense variant.
Genome position (GRCh38, 1-based): chr7:94,409,406, C>T. VCF-style: chr7-94409406-C-T. GRCh37 (hg19) VCF-style: chr7-94038718-C-T.
Other names: short protein forms P293S.
Identifiers: ClinVar variation 1449956 (VCV001449956.8), dbSNP rs1365024484, ClinGen allele CA368220692.